The following is an entry in ClinVar:

ClinVar aggregate classification (germline): Uncertain significance (1 of 4 stars; one submission).

Conditions:
Multiple endocrine neoplasia, type 1 (MEN1). Also called: MEN I; WERMER SYNDROME; Endocrine adenomatosis multiple; MEN 1; MEA I. Identifiers: Orphanet 652, MedGen C0025267, MeSH D018761, MONDO:0007540, OMIM 131100.

Submission:

Labcorp Genetics (formerly Invitae), Labcorp
Classification: Uncertain significance for Multiple endocrine neoplasia, type 1. Last evaluated: 2025-10-15. Review status: criteria provided, single submitter. Criteria: Invitae Variant Classification Sherloc (09022015). Collection method: clinical testing. Allele origin: germline.
Comment: This sequence change falls in intron 8 of the MEN1 gene. It does not directly change the encoded amino acid sequence of the MEN1 protein. It affects a nucleotide within the consensus splice site. This variant is not present in population databases (gnomAD no frequency). This variant has not been reported in the literature in individuals affected with MEN1-related conditions. Variants that disrupt the consensus splice site are a relatively common cause of aberrant splicing (PMID: 17576681, 9536098). Experimental studies and prediction algorithms are not available or were not evaluated, and the effect of this variant on mRNA splicing is currently unknown. In summary, the available evidence is currently insufficient to determine the role of this variant in disease. Therefore, it has been classified as a Variant of Uncertain Significance.

Literature cited by the submitters: PubMed 17576681; PubMed 9536098.

NM_001370259.2(MEN1):c.1184_1185+2dup

Gene: MEN1 (menin 1; minus strand). Cytogenetic location: 11q13.1.
Variant type: Duplication.
Coding change: c.1184_1185+2dup on transcript NM_001370259.2 (MANE Select); coding-DNA position 1184 through the canonical splice donor site of the intron after coding-DNA position 1185, 4 bases duplicated (AGGT; older notation c.1184_1185+2dupAGGT).
Molecular consequence: splice donor variant.
Genome position (GRCh38, 1-based): chr11:64,805,633-64,805,636, ACCT duplicated on the plus strand (AGGT on the coding strand, the reverse complement: MEN1 is on the minus strand). VCF-style (leftmost placement, unchanged base first): chr11-64805632-C-CACCT. GRCh37 (hg19) VCF-style: chr11-64573104-C-CACCT.
Other names: c.1199_1200+2dup (NM_130804.3, NM_130803.3, NM_000244.4 and 4 more transcripts); c.1079_1080+2dup (NM_001407148.1, NM_001407149.1, NM_001370263.2 and 1 more transcripts); c.1184_1185+2dup (NM_130799.3, NM_001370260.2, NM_001407152.1 and 3 more transcripts); c.1310_1311+2dup (NM_001407144.1, NM_001370251.2, NM_001407142.1 and 1 more transcripts); c.1205_1206+2dup (NM_001407151.1); c.1325_1326+2dup (NM_001407150.1).
Identifiers: ClinVar variation 4729287 (VCV004729287.1).